The following is an entry in ClinVar:

NM_024426.6(WT1):c.1208G>A (p.Cys403Tyr)

Gene: WT1 (WT1 transcription factor; minus strand). Cytogenetic location: 11p13.
Variant type: single nucleotide variant.
Coding change: c.1208G>A on transcript NM_024426.6 (MANE Select); coding-DNA position 1208, G replaced by A.
Protein change: p.Cys403Tyr; replaces cysteine 403 with tyrosine.
Molecular consequence: missense variant. On other transcripts: non-coding transcript variant (1).
Genome position (GRCh38, 1-based): chr11:32,396,313, C>T on the plus strand (G>A on the coding strand, the complement: WT1 is on the minus strand). VCF-style: chr11-32396313-C-T. GRCh37 (hg19) VCF-style: chr11-32417859-C-T.
Other names: C330Y; c.1157G>A, p.Cys386Tyr (NM_000378.6, NM_001407045.1, NM_001407048.1 and 1 more transcripts); c.557G>A, p.Cys186Tyr (NM_001198551.2); c.506G>A, p.Cys169Tyr (NM_001198552.2); c.20G>A, p.Cys7Tyr (NM_001367854.1); c.1202G>A, p.Cys401Tyr (NM_001407044.1); c.1208G>A, p.Cys403Tyr (NM_001407046.1, NM_024424.5); c.1085G>A, p.Cys362Tyr (NM_001407047.1); and 4 more; short protein forms C186Y, C169Y, C386Y, C403Y, C7Y, C362Y, C401Y, C149Y.
Identifiers: ClinVar variation 3492 (VCV000003492.3), dbSNP rs121907904, ClinGen allele CA016258.

ClinVar aggregate classification (germline): Likely pathogenic. Review status: criteria provided, single submitter (1 of 4 stars). 2 submissions from 2 submitters: Likely pathogenic (1). 1 of the submissions does not count toward it. Last evaluated 2025-03-24.

Conditions:
WT1-related disorder. Also called: WT1-related disorders. Identifiers: MedGen CN377814.
Drash syndrome (DDS). Also called: WILMS TUMOR AND PSEUDO- OR TRUE HERMAPHRODITISM; NEPHROPATHY, WILMS TUMOR, AND GENITAL ANOMALIES. Identifiers: Orphanet 220, MedGen C0950121, MONDO:0008682, OMIM 194080.

Submissions (2):

PreventionGenetics, part of Exact Sciences
Classification: Likely pathogenic for WT1-related condition. Last evaluated: 2025-03-24. Review status: criteria provided, single submitter. Criteria: ACMG Guidelines, 2015. Collection method: clinical testing. Allele origin: germline.
Comment: The WT1 c.1193G>A variant is predicted to result in the amino acid substitution p.Cys398Tyr. This variant was reported in individuals with WT1-related disorders (de novo in Supplemental Table S3, Nagano et al. 2022. PubMed ID: 36176665; reported as Cys330Tyr, Bruening et al. 1992. PubMed ID: 1302008). Of note, a different substitution at the same codon, defined as c.1192T>C (p.Cys398Arg), was reported in an individual with WT1-related disorder (Figure 2, Lipska et al. 2014. PubMed ID: 24402088). The c.1193G>A (p.Cys398Tyr) variant has not been reported in a large population database (gnomAD), indicating this variant is rare. This variant is interpreted as likely pathogenic.

OMIM
Classification: Pathogenic for DENYS-DRASH SYNDROME. Last evaluated: 1992-05-01. Review status: no assertion criteria provided. Collection method: literature only. Allele origin: germline. Not counted in ClinVar's aggregate classification.

Literature cited by the submitters: PubMed 1302008 (cited by OMIM).